The following is an entry in ClinVar:

NM_000552.5(VWF):c.7886del (p.Leu2629fs)

Gene: VWF (von Willebrand factor; minus strand). Cytogenetic location: 12p13.31.
Variant type: Deletion.
Coding change: c.7886del on transcript NM_000552.5 (MANE Select); coding-DNA position 7886, one base deleted (T; older notation c.7886delT).
Protein change: p.Leu2629fs; shifts the reading frame from leucine 2629.
Molecular consequence: frameshift variant.
Genome position (GRCh38, 1-based): chr12:5,967,487, A deleted on the plus strand (T on the coding strand, the reverse complement: VWF is on the minus strand). VCF-style (leftmost placement, unchanged base first): chr12-5967486-CA-C. GRCh37 (hg19) VCF-style: chr12-6076652-CA-C.
Other names: c.7886delT (NM_000552.5); short protein forms L2629fs.
Identifiers: ClinVar variation 2682599 (VCV002682599.1), dbSNP rs2497384798, ClinGen allele CA2617224169.

ClinVar aggregate classification (germline): Pathogenic (1 of 4 stars; one submission).

Conditions:
Hereditary von Willebrand disease. Identifiers: Orphanet 903, MedGen C5703318, MONDO:0019565. Inheritance: Autosomal recessive or Autosomal dominant.

Allele frequency attached by ClinVar (database versions not stated): gnomAD exomes below 0.00001.

Submission:

Women's Health and Genetics/Laboratory Corporation of America, LabCorp
Classification: Pathogenic for von Willebrand disorder. Last evaluated: 2023-11-17. Review status: criteria provided, single submitter. Criteria: LabCorp Variant Classification Summary - May 2015. Collection method: clinical testing. Allele origin: germline.
Comment: Variant summary: VWF c.7886delT (p.Leu2629ArgfsX25) results in a premature termination codon, predicted to cause a truncation of the encoded protein or absence of the protein due to nonsense mediated decay, which are commonly known mechanisms for disease. The variant was absent in 251280 control chromosomes. To our knowledge, no occurrence of c.7886delT in individuals affected with Von Willebrand Disease and no experimental evidence demonstrating its impact on protein function have been reported. Truncations downstream of this variant have been reported in association with Von Willebrand Disease. No submitters have cited clinical-significance assessments for this variant to ClinVar after 2014. Based on the evidence outlined above, the variant was classified as pathogenic.